The following is an entry in ClinVar:

ClinVar aggregate classification (germline): Likely pathogenic (1 of 4 stars; one submission).

Conditions:
T-B+ severe combined immunodeficiency due to JAK3 deficiency. Also called: SCID, T CELL-NEGATIVE, B CELL-POSITIVE, NK CELL-NEGATIVE; SCID, autosomal recessive, T-negative/B-positive type. Identifiers: Orphanet 35078, MedGen C1833275, MONDO:0010938, OMIM 600802.

Submission:

Labcorp Genetics (formerly Invitae), Labcorp
Classification: Likely pathogenic for T-B+ severe combined immunodeficiency due to JAK3 deficiency. Last evaluated: 2023-06-06. Review status: criteria provided, single submitter. Criteria: Invitae Variant Classification Sherloc (09022015). Collection method: clinical testing. Allele origin: germline.
Comment: In summary, the currently available evidence indicates that the variant is pathogenic, but additional data are needed to prove that conclusively. Therefore, this variant has been classified as Likely Pathogenic. Advanced modeling of protein sequence and biophysical properties (such as structural, functional, and spatial information, amino acid conservation, physicochemical variation, residue mobility, and thermodynamic stability) performed at Invitae indicates that this missense variant is expected to disrupt JAK3 protein function. This missense change has been observed in individual(s) with severe combined immunodeficiency (PMID: 33628209). In at least one individual the data is consistent with being in trans (on the opposite chromosome) from a pathogenic variant. This variant is not present in population databases (gnomAD no frequency). This sequence change replaces isoleucine, which is neutral and non-polar, with threonine, which is neutral and polar, at codon 430 of the JAK3 protein (p.Ile430Thr).

Literature cited by the submitters: PubMed 33628209.

NM_000215.4(JAK3):c.1289T>C (p.Ile430Thr)

Gene: JAK3 (Janus kinase 3; minus strand). Cytogenetic location: 19p13.11.
Variant type: single nucleotide variant.
Coding change: c.1289T>C on transcript NM_000215.4 (MANE Select); coding-DNA position 1289, T replaced by C.
Protein change: p.Ile430Thr; replaces isoleucine 430 with threonine.
Molecular consequence: missense variant.
Genome position (GRCh38, 1-based): chr19:17,839,629, A>G on the plus strand (T>C on the coding strand, the complement: JAK3 is on the minus strand). VCF-style: chr19-17839629-A-G. GRCh37 (hg19) VCF-style: chr19-17950438-A-G.
Other names: short protein forms I430T.
Identifiers: ClinVar variation 2780436 (VCV002780436.3), dbSNP rs2514566418, ClinGen allele CA404770425.